The following is an entry in ClinVar:

NM_000289.6(PFKM):c.431A>C (p.Lys144Thr)

Gene: PFKM (phosphofructokinase, muscle; plus strand). Cytogenetic location: 12q13.11.
Variant type: single nucleotide variant.
Coding change: c.431A>C on transcript NM_000289.6 (MANE Select); coding-DNA position 431, A replaced by C.
Protein change: p.Lys144Thr; replaces lysine 144 with threonine.
Molecular consequence: missense variant. On other transcripts: non-coding transcript variant (6).
Genome position (GRCh38, 1-based): chr12:48,133,318, A>C. VCF-style: chr12-48133318-A-C. GRCh37 (hg19) VCF-style: chr12-48527101-A-C.
Other names: c.281A>C, p.Lys94Thr (NM_001354747.2, NM_001354748.2); c.431A>C, p.Lys144Thr (NM_001363619.2, NM_001166687.2, NM_001166688.2 and 4 more transcripts); c.644A>C, p.Lys215Thr (NM_001166686.2, NM_001354737.1, NM_001354738.1 and 1 more transcripts); c.740A>C, p.Lys247Thr (NM_001354735.1, NM_001354736.1); c.575A>C, p.Lys192Thr (NM_001354740.1); c.455A>C, p.Lys152Thr (NM_001354741.2); c.344A>C, p.Lys115Thr (NM_001354745.2); short protein forms K115T, K144T, K192T, K215T, K247T, K94T, K152T.
Identifiers: ClinVar variation 2189707 (VCV002189707.1), dbSNP rs1489733816, ClinGen allele CA384542730.

ClinVar aggregate classification (germline): Uncertain significance (1 of 4 stars; one submission).

Conditions:
Glycogen storage disease, type VII (GSD7). Also called: PFKM DEFICIENCY; GSD VII; TARUI DISEASE; MUSCLE PHOSPHOFRUCTOKINASE DEFICIENCY. Identifiers: Orphanet 371, MedGen C0017926, MONDO:0009295, OMIM 232800.

Allele frequency attached by ClinVar (database versions not stated): TOPMed below 0.00001; gnomAD 0.00001; gnomAD exomes 0.00001.
gnomAD v4.1: 14 of 1,613,886 alleles (0.00087%); highest among the groups gnomAD compares: Admixed American, 0.0017%; no homozygotes.

Submission:

Labcorp Genetics (formerly Invitae), Labcorp
Classification: Uncertain significance for Glycogen storage disease, type VII. Last evaluated: 2022-07-02. Review status: criteria provided, single submitter. Criteria: Invitae Variant Classification Sherloc (09022015). Collection method: clinical testing. Allele origin: germline.
Comment: This sequence change replaces lysine, which is basic and polar, with threonine, which is neutral and polar, at codon 144 of the PFKM protein (p.Lys144Thr). This variant is present in population databases (no rsID available, gnomAD 0.003%). This variant has not been reported in the literature in individuals affected with PFKM-related conditions. Algorithms developed to predict the effect of missense changes on protein structure and function (SIFT, PolyPhen-2, Align-GVGD) all suggest that this variant is likely to be tolerated. In summary, the available evidence is currently insufficient to determine the role of this variant in disease. Therefore, it has been classified as a Variant of Uncertain Significance.